The following is an entry in ClinVar:

NM_001430.5(EPAS1):c.1919C>A (p.Pro640His)

Gene: EPAS1 (endothelial PAS domain protein 1; plus strand). Cytogenetic location: 2p21.
Variant type: single nucleotide variant.
Coding change: c.1919C>A on transcript NM_001430.5 (MANE Select); coding-DNA position 1919, C replaced by A.
Protein change: p.Pro640His; replaces proline 640 with histidine.
Molecular consequence: missense variant.
Genome position (GRCh38, 1-based): chr2:46,380,591, C>A. VCF-style: chr2-46380591-C-A. GRCh37 (hg19) VCF-style: chr2-46607730-C-A.
Other names: short protein forms P640H.
Identifiers: ClinVar variation 1782615 (VCV001782615.2), dbSNP rs2546477632, ClinGen allele CA346705151.
Genomic context (GRCh38, chr2:46,380,591, plus strand): 5'-GCTGTGGCCAGGCCAGCACCCCTCTCTCTTCCATGGGGGGCAGATCCAATACCCAGTGGC[C>A]CCCAGATCCACCATTACATTTTGGGCCCACAAAGTGGGCCGTCGGGGATCAGCGCACAGA-3'
Protein context (NP_001421.2, residues 630-650): SMGGRSNTQW[Pro640His]PDPPLHFGPT

ClinVar aggregate classification (germline): Uncertain significance (1 of 4 stars; one submission).

Conditions:
Inborn genetic diseases. Identifiers: MedGen C0950123, MeSH D030342.

Submission:

Ambry Genetics
Classification: Uncertain significance for Inborn genetic diseases. Last evaluated: 2021-09-18. Review status: criteria provided, single submitter. Criteria: Ambry Variant Classification Scheme 2023. Collection method: clinical testing. Allele origin: germline.
Comment: The p.P640H variant (also known as c.1919C>A), located in coding exon 12 of the EPAS1 gene, results from a C to A substitution at nucleotide position 1919. The proline at codon 640 is replaced by histidine, an amino acid with similar properties. This amino acid position is conserved. In addition, the in silico prediction for this alteration is inconclusive. Since supporting evidence is limited at this time, the clinical significance of this alteration remains unclear.